The following is an entry in ClinVar:

ClinVar aggregate classification (germline): Uncertain significance. Review status: criteria provided, multiple submitters, no conflicts (2 of 4 stars). 2 submissions from 2 submitters: Uncertain significance (2). Last evaluated 2025-12-11.

Allele frequency attached by ClinVar (database versions not stated): ExAC 0.00002; gnomAD exomes 0.00004; gnomAD 0.00009; 1000 Genomes Project 0.00020; 1000 Genomes Project 30x 0.00031.
gnomAD v4.1: 66 of 1,614,118 alleles (0.0041%); highest among the groups gnomAD compares: Admixed American, 0.037%; 1 homozygote.

Submissions (2):

Ambry Genetics
Classification: Uncertain significance. Last evaluated: 2025-12-11. Review status: criteria provided, single submitter. Criteria: Ambry Variant Classification Scheme 2023. Collection method: clinical testing. Allele origin: germline.

Labcorp Genetics (formerly Invitae), Labcorp
Classification: Uncertain significance. Last evaluated: 2025-11-03. Review status: criteria provided, single submitter. Criteria: Invitae Variant Classification Sherloc (09022015). Collection method: clinical testing. Allele origin: germline.
Comment: This sequence change replaces glutamic acid, which is acidic and polar, with valine, which is neutral and non-polar, at codon 219 of the RPS6KC1 protein (p.Glu219Val). This variant is present in population databases (rs199560994, gnomAD 0.02%). This variant has not been reported in the literature in individuals affected with RPS6KC1-related conditions. ClinVar contains an entry for this variant (Variation ID: 2052949). An algorithm developed to predict the effect of missense changes on protein structure and function (PolyPhen-2) suggests that this variant is likely to be disruptive. In summary, the available evidence is currently insufficient to determine the role of this variant in disease. Therefore, it has been classified as a Variant of Uncertain Significance.

NM_012424.6(RPS6KC1):c.656A>T (p.Glu219Val)

Gene: RPS6KC1 (ribosomal protein S6 kinase C1; plus strand). Cytogenetic location: 1q32.3.
Variant type: single nucleotide variant.
Coding change: c.656A>T on transcript NM_012424.6 (MANE Select); coding-DNA position 656, A replaced by T.
Protein change: p.Glu219Val; replaces glutamic acid 219 with valine.
Molecular consequence: missense variant. On other transcripts: 5 prime UTR variant (13), non-coding transcript variant (3), intron variant (5).
Genome position (GRCh38, 1-based): chr1:213,129,710, A>T. VCF-style: chr1-213129710-A-T. GRCh37 (hg19) VCF-style: chr1-213303053-A-T.
Other names: c.620A>T, p.Glu207Val (NM_001136138.4); c.113A>T, p.Glu38Val (NM_001287218.3, NM_001287219.3, NM_001287221.3 and 7 more transcripts); c.-559A>T (NM_001287220.3, NM_001349666.2, NM_001349667.2 and 4 more transcripts); c.656A>T, p.Glu219Val (NM_001349646.2); c.-632A>T (NM_001349659.2); c.-552A>T (NM_001349660.2, NM_001349661.2, NM_001349662.2); c.-466A>T (NM_001349664.2, NM_001349670.2); c.-57+12300A>T (NM_001349658.2); and 5 more; short protein forms E219V, E207V, E38V.
Identifiers: ClinVar variation 2052949 (VCV002052949.6), dbSNP rs199560994, ClinGen allele CA1387226.